The following is an entry in ClinVar:

NM_020829.4(RIC1):c.1337C>A (p.Ser446Tyr)

Gene: RIC1 (RIC1 partner of RAB6A GEF complex; plus strand). Cytogenetic location: 9p24.1.
Variant type: single nucleotide variant.
Coding change: c.1337C>A on transcript NM_020829.4 (MANE Select); coding-DNA position 1337, C replaced by A.
Protein change: p.Ser446Tyr; replaces serine 446 with tyrosine.
Molecular consequence: missense variant.
Genome position (GRCh38, 1-based): chr9:5,747,390, C>A. VCF-style: chr9-5747390-C-A. GRCh37 (hg19) VCF-style: chr9-5747390-C-A.
Other names: c.1337C>A, p.Ser446Tyr (NM_001135920.4, NM_001206557.2); short protein forms S446Y.
Identifiers: ClinVar variation 1711685 (VCV001711685.30), dbSNP rs41280731, ClinGen allele CA4974571.

ClinVar aggregate classification (germline): Benign (1 of 4 stars; one submission).

Allele frequency attached by ClinVar (database versions not stated): 1000 Genomes Project 0.00300; 1000 Genomes Project 30x 0.00328; TOPMed 0.00708; ExAC 0.00905; ESP Exome Variant Server 0.00907; gnomAD 0.00944; gnomAD exomes 0.01174.
gnomAD v4.1: 18,458 of 1,613,982 alleles (1.1%); highest among the groups gnomAD compares: Non-Finnish European, 1.3%; 163 homozygotes.

Submission:

CeGaT Center for Human Genetics Tuebingen
Classification: Benign. Last evaluated: 2026-07-01. Review status: criteria provided, single submitter. Criteria: CeGaT Center For Human Genetics Tuebingen Variant Classification Criteria Version 2. Collection method: clinical testing. Allele origin: germline. Affected: yes. Observed: 21 variant alleles.
Comment: RIC1: BP4, BS1, BS2